The following is an entry in ClinVar:

ClinVar aggregate classification (germline): Uncertain significance. Review status: criteria provided, single submitter (1 of 4 stars). 4 submissions from 3 submitters: Uncertain significance (1). 3 of the submissions do not count toward it. Last evaluated 2022-06-12.

Conditions:
Arrhinia with choanal atresia and microphthalmia syndrome. Also called: ARHINIA, CHOANAL ATRESIA, MICROPHTHALMIA, AND HYPOGONADOTROPIC HYPOGONADISM; Arhinia, choanal atresia, and microphthalmia; Arrhinia-choanal atresia-microphthalmia syndrome. Identifiers: Orphanet 1135, Orphanet 2250, MedGen C1863878, MONDO:0011323, OMIM 603457.
Anosmia. Also called: Defective sense of smell. Identifiers: MedGen C0003126, MONDO:0010528, HP:0000458.
Facioscapulohumeral muscular dystrophy 2 (FSHD2). Also called: MUSCULAR DYSTROPHY, FACIOSCAPULOHUMERAL, TYPE 1B; FACIOSCAPULOHUMERAL MUSCULAR DYSTROPHY 2, DIGENIC; FSHD2, DIGENIC. Identifiers: Orphanet 269, MedGen C1834671, MONDO:0008031, OMIM 158901.

Submissions (4):

Labcorp Genetics (formerly Invitae), Labcorp
Classification: Uncertain significance for Facioscapulohumeral muscular dystrophy 2. Last evaluated: 2022-06-12. Review status: criteria provided, single submitter. Criteria: Invitae Variant Classification Sherloc (09022015). Collection method: clinical testing. Allele origin: germline.
Comment: In summary, the available evidence is currently insufficient to determine the role of this variant in disease. Therefore, it has been classified as a Variant of Uncertain Significance. Experimental studies have shown that this missense change does not substantially affect SMCHD1 function (PMID: 31312724). Algorithms developed to predict the effect of missense changes on protein structure and function are either unavailable or do not agree on the potential impact of this missense change (SIFT: "Deleterious"; PolyPhen-2: "Probably Damaging"; Align-GVGD: "Class C0"). ClinVar contains an entry for this variant (Variation ID: 375760). This missense change has been observed in individual(s) with autosomal dominant Bosma arhinia microphthalmia syndrome (PMID: 28067909). It has also been observed to segregate with disease in related individuals. This variant is not present in population databases (gnomAD no frequency). This sequence change replaces glutamine, which is neutral and polar, with arginine, which is basic and polar, at codon 345 of the SMCHD1 protein (p.Gln345Arg).

OMIM
Classification: Pathogenic for BOSMA ARHINIA MICROPHTHALMIA SYNDROME. Last evaluated: 2017-02-27. Review status: no assertion criteria provided. Collection method: literature only. Allele origin: germline. Not counted in ClinVar's aggregate classification.

MGH Harvard Center for Reproductive Medicine, Massachusetts General Hospital
Classification: Pathogenic for Arrhinia with choanal atresia and microphthalmia syndrome. Review status: no assertion criteria provided. Collection method: research. Allele origin: maternal. Affected: yes. Observed: 2 variant alleles. Not counted in ClinVar's aggregate classification.

MGH Harvard Center for Reproductive Medicine, Massachusetts General Hospital
Classification: Pathogenic for anosmia. Review status: no assertion criteria provided. Collection method: research. Allele origin: maternal. Affected: yes. Observed: 1 variant allele. Not counted in ClinVar's aggregate classification.

Literature cited by the submitters: PubMed 31312724 (cited by Labcorp Genetics (formerly Invitae), Labcorp); PubMed 28067909 (cited by 3 submitters); PubMed 8723126 (cited by OMIM).

NM_015295.3(SMCHD1):c.1034A>G (p.Gln345Arg)

Gene: SMCHD1 (structural maintenance of chromosomes flexible hinge domain containing 1; plus strand). Cytogenetic location: 18p11.32.
Variant type: single nucleotide variant.
Coding change: c.1034A>G on transcript NM_015295.3 (MANE Select); coding-DNA position 1034, A replaced by G.
Protein change: p.Gln345Arg; replaces glutamine 345 with arginine.
Molecular consequence: missense variant.
Genome position (GRCh38, 1-based): chr18:2,694,687, A>G. VCF-style: chr18-2694687-A-G. GRCh37 (hg19) VCF-style: chr18-2694685-A-G.
Other names: short protein forms Q345R.
Identifiers: ClinVar variation 375760 (VCV000375760.5), dbSNP rs1057519639, ClinGen allele CA16602275.